The following is an entry in ClinVar:

ClinVar aggregate classification (germline): Uncertain significance (1 of 4 stars; one submission).

Submission:

Labcorp Genetics (formerly Invitae), Labcorp
Classification: Uncertain significance. Last evaluated: 2024-02-17. Review status: criteria provided, single submitter. Criteria: Invitae Variant Classification Sherloc (09022015). Collection method: clinical testing. Allele origin: germline.
Comment: This sequence change replaces leucine, which is neutral and non-polar, with phenylalanine, which is neutral and non-polar, at codon 234 of the ORC4 protein (p.Leu234Phe). This variant is not present in population databases (gnomAD no frequency). This variant has not been reported in the literature in individuals affected with ORC4-related conditions. ClinVar contains an entry for this variant (Variation ID: 1042227). Advanced modeling of protein sequence and biophysical properties (such as structural, functional, and spatial information, amino acid conservation, physicochemical variation, residue mobility, and thermodynamic stability) has been performed at Invitae for this missense variant, however the output from this modeling did not meet the statistical confidence thresholds required to predict the impact of this variant on ORC4 protein function. In summary, the available evidence is currently insufficient to determine the role of this variant in disease. Therefore, it has been classified as a Variant of Uncertain Significance.

NM_181741.4(ORC4):c.702A>C (p.Leu234Phe)

Gene: ORC4 (origin recognition complex subunit 4; minus strand). Cytogenetic location: 2q23.1.
Variant type: single nucleotide variant.
Coding change: c.702A>C on transcript NM_181741.4 (MANE Select); coding-DNA position 702, A replaced by C.
Protein change: p.Leu234Phe; replaces leucine 234 with phenylalanine.
Molecular consequence: missense variant.
Genome position (GRCh38, 1-based): chr2:147,948,111, T>G on the plus strand (A>C on the coding strand, the complement: ORC4 is on the minus strand). VCF-style: chr2-147948111-T-G. GRCh37 (hg19) VCF-style: chr2-148705680-T-G.
Other names: c.702A>C, p.Leu234Phe (NM_001190879.3, NM_001374270.1, NM_002552.5 and 1 more transcripts); c.450A>C, p.Leu150Phe (NM_001190881.3, NM_001374272.1); c.480A>C, p.Leu160Phe (NM_001190882.3); short protein forms L150F, L160F, L234F.
Identifiers: ClinVar variation 1042227 (VCV001042227.9), dbSNP rs1688754310, ClinGen allele CA348712856.